The following is an entry in ClinVar:

NM_152703.5(SAMD9L):c.2315C>T (p.Thr772Ile)

Gene: SAMD9L (sterile alpha motif domain containing 9 like; minus strand). Cytogenetic location: 7q21.2.
Variant type: single nucleotide variant.
Coding change: c.2315C>T on transcript NM_152703.5 (MANE Select); coding-DNA position 2315, C replaced by T.
Protein change: p.Thr772Ile; replaces threonine 772 with isoleucine.
Molecular consequence: missense variant.
Genome position (GRCh38, 1-based): chr7:93,133,657, G>A on the plus strand (C>T on the coding strand, the complement: SAMD9L is on the minus strand). VCF-style: chr7-93133657-G-A. GRCh37 (hg19) VCF-style: chr7-92762970-G-A.
Other names: c.2315C>T, p.Thr772Ile (NM_001303496.3, NM_001303497.3, NM_001303498.3 and 5 more transcripts); c.2315C>T (NM_152703.2); short protein forms T772I.
Identifiers: ClinVar variation 3693122 (VCV003693122.3).

ClinVar aggregate classification (germline): Uncertain significance. Review status: criteria provided, multiple submitters, no conflicts (2 of 4 stars). 2 submissions from 2 submitters: Uncertain significance (2). Last evaluated 2024-12-23.

Conditions:
Inborn genetic diseases. Identifiers: MedGen C0950123, MeSH D030342.

gnomAD v4.1: 4 of 1,613,428 alleles (0.00025%); highest among the groups gnomAD compares: Non-Finnish European, 0.00025%; no homozygotes.

Submissions (2):

Ambry Genetics
Classification: Uncertain significance for Inborn genetic diseases. Last evaluated: 2024-12-23. Review status: criteria provided, single submitter. Criteria: Ambry Variant Classification Scheme 2023. Collection method: clinical testing. Allele origin: germline.
Comment: The p.T772I variant (also known as c.2315C>T), located in coding exon 1 of the SAMD9L gene, results from a C to T substitution at nucleotide position 2315. The threonine at codon 772 is replaced by isoleucine, an amino acid with similar properties. This amino acid position is conserved. In addition, this alteration is predicted to be tolerated by in silico analysis. Based on the available evidence, the clinical significance of this variant remains unclear.

Labcorp Genetics (formerly Invitae), Labcorp
Classification: Uncertain significance. Last evaluated: 2024-03-01. Review status: criteria provided, single submitter. Criteria: Invitae Variant Classification Sherloc (09022015). Collection method: clinical testing. Allele origin: germline.
Comment: This sequence change replaces threonine, which is neutral and polar, with isoleucine, which is neutral and non-polar, at codon 772 of the SAMD9L protein (p.Thr772Ile). This variant is not present in population databases (gnomAD no frequency). This variant has not been reported in the literature in individuals affected with SAMD9L-related conditions. Advanced modeling of protein sequence and biophysical properties (such as structural, functional, and spatial information, amino acid conservation, physicochemical variation, residue mobility, and thermodynamic stability) performed at Invitae indicates that this missense variant is not expected to disrupt SAMD9L protein function with a negative predictive value of 80%. In summary, the available evidence is currently insufficient to determine the role of this variant in disease. Therefore, it has been classified as a Variant of Uncertain Significance.